The following is an entry in ClinVar:

NM_000368.5(TSC1):c.2761C>A (p.His921Asn)

Gene: TSC1 (TSC complex subunit 1; minus strand). Cytogenetic location: 9q34.13.
Variant type: single nucleotide variant.
Coding change: c.2761C>A on transcript NM_000368.5 (MANE Select); coding-DNA position 2761, C replaced by A.
Protein change: p.His921Asn; replaces histidine 921 with asparagine.
Molecular consequence: missense variant.
Genome position (GRCh38, 1-based): chr9:132,897,475, G>T on the plus strand (C>A on the coding strand, the complement: TSC1 is on the minus strand). VCF-style: chr9-132897475-G-T. GRCh37 (hg19) VCF-style: chr9-135772862-G-T.
Other names: c.2758C>A, p.His920Asn (NM_001162426.2); c.2608C>A, p.His870Asn (NM_001162427.2); c.2398C>A, p.His800Asn (NM_001362177.2); short protein forms H870N, H800N, H920N, H921N.
Identifiers: ClinVar variation 639970 (VCV000639970.8), dbSNP rs1588290485, ClinGen allele CA375369199.

ClinVar aggregate classification (germline): Uncertain significance. Review status: criteria provided, multiple submitters, no conflicts (2 of 4 stars). 2 submissions from 2 submitters: Uncertain significance (2). Last evaluated 2025-06-30.

Conditions:
Tuberous sclerosis syndrome (TSC). Also called: Tuberous Sclerosis Complex; Tuberous sclerosis. Identifiers: Orphanet 805, MedGen C0041341, MONDO:0001734.
Tuberous sclerosis 1 (TSC1). Identifiers: Orphanet 805, MedGen C1854465, MONDO:0008612, OMIM 191100.

Submissions (2):

Color Diagnostics, LLC DBA Color Health
Classification: Uncertain significance for Tuberous sclerosis syndrome. Last evaluated: 2025-06-30. Review status: criteria provided, single submitter. Criteria: ACMG Guidelines, 2015. Collection method: clinical testing. Allele origin: germline.
Comment: This missense variant replaces histidine with asparagine at codon 921 of the TSC1 protein. Computational prediction suggests that this variant may not impact protein structure and function. To our knowledge, functional studies have not been reported for this variant. This variant has not been reported in individuals affected with TSC1-related disorders in the literature. This variant has not been identified in the general population by the Genome Aggregation Database (gnomAD). The available evidence is insufficient to determine the role of this variant in disease conclusively. Therefore, this variant is classified as a Variant of Uncertain Significance.

Labcorp Genetics (formerly Invitae), Labcorp
Classification: Uncertain significance for Tuberous sclerosis 1. Last evaluated: 2018-09-11. Review status: criteria provided, single submitter. Criteria: Invitae Variant Classification Sherloc (09022015). Collection method: clinical testing. Allele origin: germline.
Comment: This sequence change replaces histidine with asparagine at codon 921 of the TSC1 protein (p.His921Asn). The histidine residue is moderately conserved and there is a small physicochemical difference between histidine and asparagine. This variant is not present in population databases (ExAC no frequency). In summary, the available evidence is currently insufficient to determine the role of this variant in disease. Therefore, it has been classified as a Variant of Uncertain Significance. Algorithms developed to predict the effect of missense changes on protein structure and function are either unavailable or do not agree on the potential impact of this missense change (SIFT: "Tolerated"; PolyPhen-2: "Possibly Damaging"; Align-GVGD: "Class C0"). This variant has not been reported in the literature in individuals with TSC1-related disease.